The following is an entry in ClinVar:

ClinVar aggregate classification (germline): Conflicting classifications of pathogenicity. Review status: criteria provided, conflicting classifications (1 of 4 stars). 3 submissions from 3 submitters: Uncertain significance (2); Likely benign (1). Last evaluated 2025-03-06.

Conditions:
Inborn genetic diseases. Identifiers: MedGen C0950123, MeSH D030342.

Allele frequency attached by ClinVar (database versions not stated): gnomAD exomes 0.00007 and 0.00016; 1000 Genomes Project 30x 0.00016; ExAC 0.00017; 1000 Genomes Project 0.00020; ESP Exome Variant Server 0.00046.
gnomAD v4.1: 173 of 1,612,244 alleles (0.011%); highest among the groups gnomAD compares: African/African-American, 0.12%; no homozygotes.

Submissions (3):

Labcorp Genetics (formerly Invitae), Labcorp
Classification: Likely benign. Last evaluated: 2025-03-06. Review status: criteria provided, single submitter. Criteria: Invitae Variant Classification Sherloc (09022015). Collection method: clinical testing. Allele origin: germline.

Ambry Genetics
Classification: Uncertain significance for Inborn genetic diseases. Last evaluated: 2022-08-03. Review status: criteria provided, single submitter. Criteria: Ambry Variant Classification Scheme 2023. Collection method: clinical testing. Allele origin: germline.

GeneDx
Classification: Uncertain significance. Last evaluated: 2019-05-29. Review status: criteria provided, single submitter. Criteria: GeneDx Variant Classification Process June 2021. Collection method: clinical testing. Allele origin: germline. Affected: yes.
Comment: In silico analysis, which includes protein predictors and evolutionary conservation, supports that this variant does not alter protein structure/function; Has not been previously published as pathogenic or benign to our knowledge

NM_007289.4(MME):c.445A>G (p.Ile149Val)

Gene: MME (membrane metalloendopeptidase; plus strand). Cytogenetic location: 3q25.2.
Variant type: single nucleotide variant.
Coding change: c.445A>G on transcript NM_007289.4 (MANE Select); coding-DNA position 445, A replaced by G.
Protein change: p.Ile149Val; replaces isoleucine 149 with valine.
Molecular consequence: missense variant.
Genome position (GRCh38, 1-based): chr3:155,116,669, A>G. VCF-style: chr3-155116669-A-G. GRCh37 (hg19) VCF-style: chr3-154834458-A-G.
Other names: c.445A>G, p.Ile149Val (NM_000902.5, NM_001354642.2, NM_001354643.1 and 2 more transcripts); short protein forms I149V.
Identifiers: ClinVar variation 1306124 (VCV001306124.10), dbSNP rs200157166, ClinGen allele CA2675170.